The following is an entry in ClinVar:

NM_004260.4(RECQL4):c.2291A>G (p.Gln764Arg)

Gene: RECQL4 (RecQ like helicase 4; minus strand). Cytogenetic location: 8q24.3.
Variant type: single nucleotide variant.
Coding change: c.2291A>G on transcript NM_004260.4 (MANE Select); coding-DNA position 2291, A replaced by G.
Protein change: p.Gln764Arg; replaces glutamine 764 with arginine.
Molecular consequence: missense variant. On other transcripts: non-coding transcript variant (3), intron variant (3).
Genome position (GRCh38, 1-based): chr8:144,513,390, T>C on the plus strand (A>G on the coding strand, the complement: RECQL4 is on the minus strand). VCF-style: chr8-144513390-T-C. GRCh37 (hg19) VCF-style: chr8-145738774-T-C.
Other names: c.2291A>G, p.Gln764Arg (NM_001413019.1, NM_001413036.1); c.2195A>G, p.Gln732Arg (NM_001413020.1); c.1220A>G, p.Gln407Arg (NM_001413021.1, NM_001413022.1, NM_001413023.1 and 5 more transcripts); c.2162A>G, p.Gln721Arg (NM_001413025.1); c.1154A>G, p.Gln385Arg (NM_001413027.1, NM_001413030.1, NM_001413032.1 and 1 more transcripts); c.1940A>G, p.Gln647Arg (NM_001413029.1); c.1022A>G, p.Gln341Arg (NM_001413031.1); c.2169+26A>G (NM_001413017.1); and 8 more; short protein forms Q275R, Q341R, Q363R, Q385R, Q397R, Q407R, Q647R, Q720R.
Identifiers: ClinVar variation 3627758 (VCV003627758.3).

ClinVar aggregate classification (germline): Conflicting classifications of pathogenicity. Review status: criteria provided, conflicting classifications (1 of 4 stars). 2 submissions from 2 submitters: Uncertain significance (1); Likely benign (1). Last evaluated 2025-08-29.

Conditions:
Inborn genetic diseases. Identifiers: MedGen C0950123, MeSH D030342.
Baller-Gerold syndrome (BGS). Also called: CRANIOSYNOSTOSIS WITH RADIAL DEFECTS. Identifiers: Orphanet 1225, MedGen C0265308, MONDO:0009039, OMIM 218600.

gnomAD v4.1: 3 of 1,608,294 alleles (0.00019%); highest among the groups gnomAD compares: Non-Finnish European, 0.00025%; no homozygotes.

Submissions (2):

Ambry Genetics
Classification: Likely benign for Inborn genetic diseases. Last evaluated: 2025-08-29. Review status: criteria provided, single submitter. Criteria: Ambry Variant Classification Scheme 2023. Collection method: clinical testing. Allele origin: germline.

Labcorp Genetics (formerly Invitae), Labcorp
Classification: Uncertain significance for Baller-Gerold syndrome. Last evaluated: 2024-04-16. Review status: criteria provided, single submitter. Criteria: Invitae Variant Classification Sherloc (09022015). Collection method: clinical testing. Allele origin: germline.
Comment: This sequence change replaces glutamine, which is neutral and polar, with arginine, which is basic and polar, at codon 764 of the RECQL4 protein (p.Gln764Arg). This variant is not present in population databases (gnomAD no frequency). This variant has not been reported in the literature in individuals affected with RECQL4-related conditions. Advanced modeling of protein sequence and biophysical properties (such as structural, functional, and spatial information, amino acid conservation, physicochemical variation, residue mobility, and thermodynamic stability) performed at Invitae indicates that this missense variant is not expected to disrupt RECQL4 protein function with a negative predictive value of 80%. In summary, the available evidence is currently insufficient to determine the role of this variant in disease. Therefore, it has been classified as a Variant of Uncertain Significance.